The following is an entry in ClinVar:

NM_022047.4(DEF6):c.860A>C (p.Asn287Thr)

Gene: DEF6 (DEF6 guanine nucleotide exchange factor; plus strand). Cytogenetic location: 6p21.31.
Variant type: single nucleotide variant.
Coding change: c.860A>C on transcript NM_022047.4 (MANE Select); coding-DNA position 860, A replaced by C.
Protein change: p.Asn287Thr; replaces asparagine 287 with threonine.
Molecular consequence: missense variant.
Genome position (GRCh38, 1-based): chr6:35,317,943, A>C. VCF-style: chr6-35317943-A-C. GRCh37 (hg19) VCF-style: chr6-35285720-A-C.
Other names: p.Asn287Thr; short protein forms N287T.
Identifiers: ClinVar variation 1168204 (VCV001168204.13), dbSNP rs2395617, ClinGen allele CA3770834.
Genomic context (GRCh38, chr6:35,317,943, plus strand): 5'-TGTGCCAGGTGCTGCCAGACCGCGACGGAAAGCGCTGCATGTTCTGTGTGAAGACAGCCA[A>C]CCGCACGTATGAGATGAGCGCCTCAGACACGCGCCAGCGCCAGGAGTGGACAGCTGGTGA-3'
Protein context (NP_071330.3, residues 277-297): KRCMFCVKTA[Asn287Thr]RTYEMSASDT

ClinVar aggregate classification (germline): Benign/Likely benign. Review status: criteria provided, multiple submitters, no conflicts (2 of 4 stars). 4 submissions from 4 submitters: Benign (3); Likely benign (1). Last evaluated 2026-02-04.

Allele frequency attached by ClinVar (database versions not stated): ESP Exome Variant Server 0.86683; TOPMed 0.87533; 1000 Genomes Project 30x 0.90006; 1000 Genomes Project 0.90775.
gnomAD v4.1: 1,430,867 of 1,613,814 alleles (89%); highest among the groups gnomAD compares: East Asian, 100%; 635,359 homozygotes.

Submissions (4):

Labcorp Genetics (formerly Invitae), Labcorp
Classification: Benign. Last evaluated: 2026-02-04. Review status: criteria provided, single submitter. Criteria: Invitae Variant Classification Sherloc (09022015). Collection method: clinical testing. Allele origin: germline.

Blueprint Genetics
Classification: Likely benign. Last evaluated: 2024-11-27. Review status: criteria provided, single submitter. Criteria: ACMG Guidelines, 2015. Collection method: clinical testing. Allele origin: germline.

Unidad de Genómica Garrahan, Hospital de Pediatría Garrahan
Classification: Benign. Last evaluated: 2024-01-24. Review status: criteria provided, single submitter. Criteria: ACMG Guidelines, 2015. Collection method: clinical testing. Allele origin: germline. Affected: no. Observed: 87 variant alleles.
Comment: This variant is classified as Benign based on local population frequency. This variant was detected in 99% of patients studied by a panel of primary immunodeficiencies. Number of patients: 87. Only high quality variants are reported.

Mayo Clinic Laboratories, Mayo Clinic
Classification: Benign. Last evaluated: 2022-09-06. Review status: criteria provided, single submitter. Criteria: ACMG Guidelines, 2015. Collection method: clinical testing. Allele origin: germline. Observed: 324 variant alleles.